The following is an entry in ClinVar:

NM_001297719.2(BMAL1):c.1383C>G (p.His461Gln)

Gene: BMAL1 (basic helix-loop-helix ARNT like 1; plus strand). Cytogenetic location: 11p15.3.
Variant type: single nucleotide variant.
Coding change: c.1383C>G on transcript NM_001297719.2 (MANE Select); coding-DNA position 1383, C replaced by G.
Protein change: p.His461Gln; replaces histidine 461 with glutamine.
Molecular consequence: missense variant. On other transcripts: non-coding transcript variant (7).
Genome position (GRCh38, 1-based): chr11:13,376,697, C>G. VCF-style: chr11-13376697-C-G. GRCh37 (hg19) VCF-style: chr11-13398244-C-G.
Other names: c.1380C>G, p.His460Gln (NM_001030272.3, NM_001178.6, NM_001351804.1 and 2 more transcripts); c.1251C>G, p.His417Gln (NM_001030273.3, NM_001351813.2, NM_001351818.2); c.1383C>G, p.His461Gln (NM_001297722.2, NM_001351807.2, NM_001351814.2 and 1 more transcripts); c.1254C>G, p.His418Gln (NM_001297724.2, NM_001351808.2, NM_001351816.2 and 4 more transcripts); c.1344C>G, p.His448Gln (NM_001351805.2); c.1341C>G, p.His447Gln (NM_001351806.2); c.1332C>G, p.His444Gln (NM_001351809.2, NM_001351812.2); c.1029C>G, p.His343Gln (NM_001351810.2, NM_001351817.2); and 1 more; short protein forms H211Q, H343Q, H417Q, H418Q, H444Q, H447Q, H448Q, H460Q.
Identifiers: ClinVar variation 4976448 (VCV004976448.1).
Genomic context (GRCh38, chr11:13,376,697, plus strand): 5'-CAGAGCCAACGTCCTGGAAGGCGGGGACCCAACCTTCCCACAGCTCACAGCATCCCCCCA[C>G]AGCATGGACAGCATGCTGCCCTCTGGAGAAGGTAACTATGTGCTGCTGGGGCCCTGGGGC-3'
Protein context (NP_001284648.1, residues 451-471): PTFPQLTASP[His461Gln]SMDSMLPSGE

ClinVar aggregate classification (germline): Uncertain significance (1 of 4 stars; one submission).

Submission:

GeneDx
Classification: Uncertain significance. Last evaluated: 2026-02-12. Review status: criteria provided, single submitter. Criteria: GeneDx Variant Classification Process June 2021. Collection method: clinical testing. Allele origin: germline.
Comment: Not observed at significant frequency in large population cohorts (gnomAD); In silico analysis suggests that this missense variant does not alter protein structure/function; Has not been previously published as pathogenic or benign to our knowledge